The following is an entry in ClinVar:

NM_001005242.3(PKP2):c.2332A>T (p.Ile778Phe)

Gene: PKP2 (plakophilin 2; minus strand). Cytogenetic location: 12p11.21.
Variant type: single nucleotide variant.
Coding change: c.2332A>T on transcript NM_001005242.3 (MANE Select); coding-DNA position 2332, A replaced by T.
Protein change: p.Ile778Phe; replaces isoleucine 778 with phenylalanine.
Molecular consequence: missense variant.
Genome position (GRCh38, 1-based): chr12:32,796,134, T>A on the plus strand (A>T on the coding strand, the complement: PKP2 is on the minus strand). VCF-style: chr12-32796134-T-A. GRCh37 (hg19) VCF-style: chr12-32949068-T-A.
Other names: c.2464A>T, p.Ile822Phe (NM_004572.4); short protein forms I822F, I778F.
Identifiers: ClinVar variation 191763 (VCV000191763.5), dbSNP rs145324631, ClinGen allele CA012045.

ClinVar aggregate classification (germline): Uncertain significance. Review status: criteria provided, multiple submitters, no conflicts (2 of 4 stars). 4 submissions from 4 submitters: Uncertain significance (4). Last evaluated 2026-08-26.

Conditions:
PKP2-related disorder. Also called: PKP2-related condition.
Arrhythmogenic right ventricular cardiomyopathy (ARVD). Also called: Cardiomyopathy, ARVC; Arrhythmogenic right ventricular dysplasia; Arrhythmogenic Right Ventricular Cardiomyopathy (ARVC); Arrhythmogenic cardiomyopathy. Identifiers: Orphanet 247, MedGen C0349788, MeSH D019571, MONDO:0016587. Disease mechanism: loss of function. Inheritance: Various modes of inheritance.
Cardiomyopathy (CMYO). Also called: Cardiomyopathies. Identifiers: Orphanet 167848, MedGen C0878544, MONDO:0004994, HP:0001638. Inheritance: Various modes of inheritance.

gnomAD v4.1: 3 of 1,614,098 alleles (0.00019%); highest among the groups gnomAD compares: Non-Finnish European, 0.000085%; no homozygotes.

Submissions (4):

PreventionGenetics, part of Exact Sciences
Classification: Uncertain significance for PKP2-related condition. Last evaluated: 2026-08-26. Review status: criteria provided, single submitter. Criteria: ACMG Guidelines, 2015. Collection method: clinical testing. Allele origin: germline.
Comment: The PKP2 c.2464A>T variant is predicted to result in the amino acid substitution p.Ile822Phe. To our knowledge, this variant has not been reported in the literature. This variant is reported in 0.0099% of alleles in individuals of Ashkenazi Jewish descent in gnomAD. At this time, the clinical significance of this variant is uncertain due to the absence of conclusive functional and genetic evidence.

All of Us Research Program, National Institutes of Health
Classification: Uncertain significance for Arrhythmogenic right ventricular cardiomyopathy. Last evaluated: 2023-08-08. Review status: criteria provided, single submitter. Criteria: ACMG Guidelines, 2015. Collection method: clinical testing. Allele origin: germline. Inheritance: Autosomal dominant inheritance. Observed: 2 variant alleles, 2 heterozygotes.
Comment: This missense variant replaces isoleucine with phenylalanine at codon 822 of the PKP2 protein. Computational prediction suggests that this variant may not impact protein structure and function (internally defined REVEL score threshold <= 0.5, PMID: 27666373). To our knowledge, functional studies have not been reported for this variant. This variant has not been reported in individuals affected with cardiovascular disorders in the literature. This variant has been identified in 2/251468 chromosomes in the general population by the Genome Aggregation Database (gnomAD). The available evidence is insufficient to determine the role of this variant in disease conclusively. Therefore, this variant is classified as a Variant of Uncertain Significance.

This study involves interpretation of variants in research participants for the purpose of population health screening. Participant phenotype was not available at the time of variant classification. Additional details can be found in publication PMID: 35346344, PMCID: PMC8962531

Color Diagnostics, LLC DBA Color Health
Classification: Uncertain significance for Cardiomyopathy. Last evaluated: 2023-05-09. Review status: criteria provided, single submitter. Criteria: ACMG Guidelines, 2015. Collection method: clinical testing. Allele origin: germline.
Comment: This missense variant replaces isoleucine with phenylalanine at codon 822 of the PKP2 protein. Computational prediction suggests that this variant may not impact protein structure and function (internally defined REVEL score threshold <= 0.5, PMID: 27666373). To our knowledge, functional studies have not been reported for this variant. This variant has not been reported in individuals affected with cardiovascular disorders in the literature. This variant has been identified in 2/251468 chromosomes in the general population by the Genome Aggregation Database (gnomAD). The available evidence is insufficient to determine the role of this variant in disease conclusively. Therefore, this variant is classified as a Variant of Uncertain Significance.

Biesecker Lab/Clinical Genomics Section, National Institutes of Health
Classification: Uncertain significance. Last evaluated: 2013-06-24. Review status: criteria provided, single submitter. Criteria: Ng et al. (Circ Cardiovasc Genet. 2013). Collection method: research. Allele origin: unknown. Observed: 1 variant allele. Study: ClinSeq.
Comment: The study set was not selected for affection status in relation to any cancer. Pathogenicity categories were based on literature curation. See Pubmed ID:23861362 for details.

Medical sequencing